The following is an entry in ClinVar:

NM_024334.3(TMEM43):c.384G>C (p.Glu128Asp)

Gene: TMEM43 (transmembrane protein 43; plus strand). Cytogenetic location: 3p25.1.
Variant type: single nucleotide variant.
Coding change: c.384G>C on transcript NM_024334.3 (MANE Select); coding-DNA position 384, G replaced by C.
Protein change: p.Glu128Asp; replaces glutamic acid 128 with aspartic acid.
Molecular consequence: missense variant.
Genome position (GRCh38, 1-based): chr3:14,131,666, G>C. VCF-style: chr3-14131666-G-C. GRCh37 (hg19) VCF-style: chr3-14173166-G-C.
Other names: c.384G>C, p.Glu128Asp (NM_001407274.1, NM_001407275.1, NM_001407276.1 and 2 more transcripts); c.369G>C, p.Glu123Asp (NM_001407278.1); c.234G>C, p.Glu78Asp (NM_001407280.1); short protein forms E78D, E128D, E123D.
Identifiers: ClinVar variation 2813078 (VCV002813078.3), dbSNP rs2470181854, ClinGen allele CA351534941.

ClinVar aggregate classification (germline): Uncertain significance (1 of 4 stars; one submission).

Conditions:
Arrhythmogenic right ventricular dysplasia 5. Also called: Arrhythmogenic Right Ventricular Dysplasia/Cardiomyopathy 5; ARRHYTHMOGENIC RIGHT VENTRICULAR DYSPLASIA, FAMILIAL, 5. Identifiers: MedGen C1858379, MONDO:0011459, OMIM 604400.

Submission:

Labcorp Genetics (formerly Invitae), Labcorp
Classification: Uncertain significance for Arrhythmogenic right ventricular dysplasia 5. Last evaluated: 2022-11-09. Review status: criteria provided, single submitter. Criteria: Invitae Variant Classification Sherloc (09022015). Collection method: clinical testing. Allele origin: germline.
Comment: In summary, the available evidence is currently insufficient to determine the role of this variant in disease. Therefore, it has been classified as a Variant of Uncertain Significance. Advanced modeling of protein sequence and biophysical properties (such as structural, functional, and spatial information, amino acid conservation, physicochemical variation, residue mobility, and thermodynamic stability) performed at Invitae indicates that this missense variant is not expected to disrupt TMEM43 protein function. This variant has not been reported in the literature in individuals affected with TMEM43-related conditions. This variant is not present in population databases (gnomAD no frequency). This sequence change replaces glutamic acid, which is acidic and polar, with aspartic acid, which is acidic and polar, at codon 128 of the TMEM43 protein (p.Glu128Asp).